The following is an entry in ClinVar:

NM_001346754.2(PIGW):c.894A>G (p.Leu298=)

Genes: MYO19 (myosin XIX; minus strand), PIGW (phosphatidylinositol glycan anchor biosynthesis class W; plus strand). Cytogenetic location: 17q12.
Variant type: single nucleotide variant.
Coding change: c.894A>G on transcript NM_001346754.2 (MANE Select); coding-DNA position 894, A replaced by G.
Protein change: p.Leu298=; no amino-acid change (leucine 298 retained).
Molecular consequence: synonymous variant.
Genome position (GRCh38, 1-based): chr17:36,537,995, A>G. VCF-style: chr17-36537995-A-G. GRCh37 (hg19) VCF-style: chr17-34893844-A-G.
Other names: c.894A>G (NM_178517.4); c.894A>G, p.Leu298= (NM_001346755.2, NM_178517.5).
Identifiers: ClinVar variation 1659519 (VCV001659519.23), dbSNP rs1483319678, ClinGen allele CA728502851.

ClinVar aggregate classification (germline): Likely benign. Review status: criteria provided, multiple submitters, no conflicts (2 of 4 stars). 3 submissions from 3 submitters: Likely benign (2). 1 of the submissions does not count toward it. Last evaluated 2025-02-01.

Conditions:
PIGW-related disorder. Also called: PIGW-related condition.
Hyperphosphatasia with intellectual disability syndrome 5 (GPIBD11). Also called: GLYCOSYLPHOSPHATIDYLINOSITOL BIOSYNTHESIS DEFECT 11. Identifiers: Orphanet 247262, MedGen C4014958, MONDO:0014457, OMIM 616025.

Allele frequency attached by ClinVar (database versions not stated): gnomAD exomes below 0.00001 and 0.00001.

Submissions (3):

CeGaT Center for Human Genetics Tuebingen
Classification: Likely benign. Last evaluated: 2025-02-01. Review status: criteria provided, single submitter. Criteria: CeGaT Center For Human Genetics Tuebingen Variant Classification Criteria Version 2. Collection method: clinical testing. Allele origin: germline. Affected: yes. Observed: 1 variant allele.
Comment: PIGW: BP4, BP7

Labcorp Genetics (formerly Invitae), Labcorp
Classification: Likely benign for Hyperphosphatasia with intellectual disability syndrome 5. Last evaluated: 2024-02-24. Review status: criteria provided, single submitter. Criteria: Invitae Variant Classification Sherloc (09022015). Collection method: clinical testing. Allele origin: germline.

PreventionGenetics, part of Exact Sciences
Classification: Likely benign for PIGW-related condition. Last evaluated: 2019-04-24. Review status: no assertion criteria provided. Collection method: clinical testing. Allele origin: germline. Not counted in ClinVar's aggregate classification.
Comment: This variant is classified as likely benign based on ACMG/AMP sequence variant interpretation guidelines (Richards et al. 2015 PMID: 25741868, with internal and published modifications).